The following is an entry in ClinVar:

NM_000274.4(OAT):c.268C>G (p.Gln90Glu)

Gene: OAT (ornithine aminotransferase; minus strand). Cytogenetic location: 10q26.13.
Variant type: single nucleotide variant.
Coding change: c.268C>G on transcript NM_000274.4 (MANE Select); coding-DNA position 268, C replaced by G.
Protein change: p.Gln90Glu; replaces glutamine 90 with glutamic acid.
Molecular consequence: missense variant. On other transcripts: 5 prime UTR variant (2), intron variant (1).
Genome position (GRCh38, 1-based): chr10:124,408,897, G>C on the plus strand (C>G on the coding strand, the complement: OAT is on the minus strand). VCF-style: chr10-124408897-G-C. GRCh37 (hg19) VCF-style: chr10-126097466-G-C.
Other names: c.-147C>G (NM_001171814.2); c.268C>G, p.Gln90Glu (NM_001322965.2, NM_001322966.2, NM_001322967.2 and 3 more transcripts); c.-447C>G (NM_001322974.2); c.199+3076C>G (NM_001322971.2); short protein forms Q90E.
Identifiers: ClinVar variation 182 (VCV000000182.6), dbSNP rs121965060, ClinGen allele CA114017.

ClinVar aggregate classification (germline): Uncertain significance. Review status: criteria provided, single submitter (1 of 4 stars). 2 submissions from 2 submitters: Uncertain significance (1). 1 of the submissions does not count toward it. Last evaluated 2023-08-10.

Conditions:
Ornithine aminotransferase deficiency (GACR). Also called: HYPERORNITHINEMIA WITH GYRATE ATROPHY OF CHOROID AND RETINA; OAT DEFICIENCY; OKT DEFICIENCY; Ornithine ketoacid aminotransferase deficiency; Gyrate atrophy; Gyrate atrophy of choroid and retina. Identifiers: Orphanet 414, MedGen C0018425, MONDO:0009796, OMIM 258870.

Submissions (2):

Labcorp Genetics (formerly Invitae), Labcorp
Classification: Uncertain significance for Ornithine aminotransferase deficiency. Last evaluated: 2023-08-10. Review status: criteria provided, single submitter. Criteria: Invitae Variant Classification Sherloc (09022015). Collection method: clinical testing. Allele origin: germline.
Comment: This missense change has been observed in individual(s) with gyrate atrophy of the choroid and retina (PMID: 7668253). In summary, the available evidence is currently insufficient to determine the role of this variant in disease. Therefore, it has been classified as a Variant of Uncertain Significance. Studies have shown that this missense change alters OAT gene expression (PMID: 7668253). Advanced modeling of protein sequence and biophysical properties (such as structural, functional, and spatial information, amino acid conservation, physicochemical variation, residue mobility, and thermodynamic stability) performed at Invitae indicates that this missense variant is expected to disrupt OAT protein function. ClinVar contains an entry for this variant (Variation ID: 182). This variant is not present in population databases (gnomAD no frequency). This sequence change replaces glutamine, which is neutral and polar, with glutamic acid, which is acidic and polar, at codon 90 of the OAT protein (p.Gln90Glu).

OMIM
Classification: Pathogenic for GYRATE ATROPHY OF CHOROID AND RETINA. Last evaluated: 1995-08-01. Review status: no assertion criteria provided. Collection method: literature only. Allele origin: germline. Not counted in ClinVar's aggregate classification.

Literature cited by the submitters: PubMed 7668253 (cited by Labcorp Genetics (formerly Invitae), Labcorp and OMIM).